The following is an entry in ClinVar:

ClinVar aggregate classification (germline): Uncertain significance. Review status: criteria provided, multiple submitters, no conflicts (2 of 4 stars). 2 submissions from 2 submitters: Uncertain significance (2). Last evaluated 2024-11-03.

Allele frequency attached by ClinVar (database versions not stated): ExAC 0.00001; gnomAD 0.00001; 1000 Genomes Project 0.00026; 1000 Genomes Project 30x 0.00042.
gnomAD v4.1: 1 of 1,209,480 alleles (0.000083%); highest among the groups gnomAD compares: East Asian, 0.003%; no homozygotes.

Submissions (2):

Labcorp Genetics (formerly Invitae), Labcorp
Classification: Uncertain significance. Last evaluated: 2024-11-03. Review status: criteria provided, single submitter. Criteria: Invitae Variant Classification Sherloc (09022015). Collection method: clinical testing. Allele origin: germline.
Comment: This sequence change replaces isoleucine, which is neutral and non-polar, with leucine, which is neutral and non-polar, at codon 446 of the NEXMIF protein (p.Ile446Leu). This variant is not present in population databases (gnomAD no frequency). This variant has not been reported in the literature in individuals affected with NEXMIF-related conditions. ClinVar contains an entry for this variant (Variation ID: 2349306). An algorithm developed to predict the effect of missense changes on protein structure and function (PolyPhen-2) suggests that this variant is likely to be tolerated. In summary, the available evidence is currently insufficient to determine the role of this variant in disease. Therefore, it has been classified as a Variant of Uncertain Significance.

Ambry Genetics
Classification: Uncertain significance. Last evaluated: 2020-12-10. Review status: criteria provided, single submitter. Criteria: Ambry Variant Classification Scheme 2023. Collection method: clinical testing. Allele origin: germline.
Comment: The c.1336A>C (p.I446L) alteration is located in exon 3 (coding exon 2) of the KIAA2022 gene. This alteration results from a A to C substitution at nucleotide position 1336, causing the isoleucine (I) at amino acid position 446 to be replaced by a leucine (L). The p.I446L alteration is predicted to be tolerated by in silico analysis. Based on insufficient or conflicting evidence, the clinical significance of this alteration remains unclear.

NM_001008537.3(NEXMIF):c.1336A>C (p.Ile446Leu)

Gene: NEXMIF (neurite extension and migration factor; minus strand). Cytogenetic location: Xq13.3.
Variant type: single nucleotide variant.
Coding change: c.1336A>C on transcript NM_001008537.3 (MANE Select); coding-DNA position 1336, A replaced by C.
Protein change: p.Ile446Leu; replaces isoleucine 446 with leucine.
Molecular consequence: missense variant.
Genome position (GRCh38, 1-based): chrX:74,743,221, T>G on the plus strand (A>C on the coding strand, the complement: NEXMIF is on the minus strand). VCF-style: chrX-74743221-T-G. GRCh37 (hg19) VCF-style: chrX-73963056-T-G.
Other names: short protein forms I446L.
Identifiers: ClinVar variation 2349306 (VCV002349306.4), dbSNP rs182916606, ClinGen allele CA10455128.
Genomic context (GRCh38, chrX:74,743,221, plus strand): 5'-CCCGAGCCATATAGCGACTACAGTCCTTGATCTCACCCATAGCATCATATGAGATCTCAA[T>G]GAAGGAACTATCATCACTGAAACTCCCTGATGTCTCCAGGGAATTAGCAAGATGGCCCTG-3'
Protein context (NP_001008537.1, residues 436-456): SGSFSDDSSF[Ile446Leu]EISYDAMGEI